The following is an entry in ClinVar:

ClinVar aggregate classification (germline): Uncertain significance (1 of 4 stars; one submission).

Conditions:
Hyperaldosteronism, familial, type IV (HALD4). Also called: FH IV; ALDOSTERONISM, PRIMARY, AND HYPERTENSION. Identifiers: Orphanet 642671, MedGen C4310756, MONDO:0014875, OMIM 617027.
Idiopathic generalized epilepsy. Also called: Generalised epilepsy; EIG. Identifiers: MedGen C0270850, MONDO:0005579, OMIM 600669.

Submission:

Labcorp Genetics (formerly Invitae), Labcorp
Classification: Uncertain significance for Idiopathic generalized epilepsy; Hyperaldosteronism, familial, type IV. Last evaluated: 2021-04-23. Review status: criteria provided, single submitter. Criteria: Invitae Variant Classification Sherloc (09022015). Collection method: clinical testing. Allele origin: germline.
Comment: In summary, the available evidence is currently insufficient to determine the role of this variant in disease. Therefore, it has been classified as a Variant of Uncertain Significance. Algorithms developed to predict the effect of missense changes on protein structure and function are either unavailable or do not agree on the potential impact of this missense change (SIFT: "Deleterious"; PolyPhen-2: "Probably Damaging"; Align-GVGD: "Class C0"). This variant has not been reported in the literature in individuals with CACNA1H-related conditions. This variant is not present in population databases (ExAC no frequency). This sequence change replaces isoleucine with leucine at codon 1443 of the CACNA1H protein (p.Ile1443Leu). The isoleucine residue is highly conserved and there is a small physicochemical difference between isoleucine and leucine.

NM_021098.3(CACNA1H):c.4327A>C (p.Ile1443Leu)

Gene: CACNA1H (calcium voltage-gated channel subunit alpha1 H; plus strand). Cytogenetic location: 16p13.3.
Variant type: single nucleotide variant.
Coding change: c.4327A>C on transcript NM_021098.3 (MANE Select); coding-DNA position 4327, A replaced by C.
Protein change: p.Ile1443Leu; replaces isoleucine 1443 with leucine.
Molecular consequence: missense variant.
Genome position (GRCh38, 1-based): chr16:1,211,271, A>C. VCF-style: chr16-1211271-A-C. GRCh37 (hg19) VCF-style: chr16-1261271-A-C.
Other names: c.4327A>C, p.Ile1443Leu (NM_001005407.2); short protein forms I1443L.
Identifiers: ClinVar variation 1386811 (VCV001386811.8), dbSNP rs777667628, ClinGen allele CA394178511.